The following is an entry in ClinVar:

ClinVar aggregate classification (germline): Uncertain significance (1 of 4 stars; one submission).

gnomAD v4.1: 4 of 1,611,098 alleles (0.00025%); highest among the groups gnomAD compares: Non-Finnish European, 0.00034%; no homozygotes.

Submission:

GeneDx
Classification: Uncertain significance. Last evaluated: 2024-08-05. Review status: criteria provided, single submitter. Criteria: GeneDx Variant Classification Process June 2021. Collection method: clinical testing. Allele origin: germline. Affected: yes.
Comment: Not observed at significant frequency in large population cohorts (gnomAD); In silico analysis supports that this missense variant has a deleterious effect on protein structure/function; Has not been previously published as pathogenic or benign to our knowledge

NM_001128.6(AP1G1):c.1018C>G (p.His340Asp)

Gene: AP1G1 (adaptor related protein complex 1 subunit gamma 1; minus strand). Cytogenetic location: 16q22.2.
Variant type: single nucleotide variant.
Coding change: c.1018C>G on transcript NM_001128.6 (MANE Select); coding-DNA position 1018, C replaced by G.
Protein change: p.His340Asp; replaces histidine 340 with aspartic acid.
Molecular consequence: missense variant.
Genome position (GRCh38, 1-based): chr16:71,758,878, G>C on the plus strand (C>G on the coding strand, the complement: AP1G1 is on the minus strand). VCF-style: chr16-71758878-G-C. GRCh37 (hg19) VCF-style: chr16-71792781-G-C.
Other names: c.1027C>G, p.His343Asp (NM_001030007.2); short protein forms H340D, H343D.
Identifiers: ClinVar variation 3602795 (VCV003602795.1).